The following is an entry in ClinVar:

NM_006767.4(LZTR1):c.2366A>T (p.Lys789Met)

Gene: LZTR1 (leucine zipper like post translational regulator 1; plus strand). Cytogenetic location: 22q11.21.
Variant type: single nucleotide variant.
Coding change: c.2366A>T on transcript NM_006767.4 (MANE Select); coding-DNA position 2366, A replaced by T.
Protein change: p.Lys789Met; replaces lysine 789 with methionine.
Molecular consequence: missense variant.
Genome position (GRCh38, 1-based): chr22:20,996,926, A>T. VCF-style: chr22-20996926-A-T. GRCh37 (hg19) VCF-style: chr22-21351215-A-T.
Other names: c.2366A>T (NM_006767.3); short protein forms K789M.
Identifiers: ClinVar variation 2054226 (VCV002054226.6), dbSNP rs1370157440, ClinGen allele CA410781058.

ClinVar aggregate classification (germline): Uncertain significance. Review status: criteria provided, multiple submitters, no conflicts (2 of 4 stars). 2 submissions from 2 submitters: Uncertain significance (2). Last evaluated 2022-12-18.

Conditions:
Cardiovascular phenotype. Identifiers: MedGen CN230736.
Hereditary cancer-predisposing syndrome. Also called: Tumor predisposition; Hereditary Cancer Syndrome; Neoplastic Syndromes, Hereditary; Hereditary neoplastic syndrome. Identifiers: Orphanet 140162, MedGen C0027672, MeSH D009386, MONDO:0015356.

Submissions (2):

Ambry Genetics
Classification: Uncertain significance for Cardiovascular phenotype; Hereditary cancer-predisposing syndrome. Last evaluated: 2022-12-18. Review status: criteria provided, single submitter. Criteria: Ambry Variant Classification Scheme 2023. Collection method: clinical testing. Allele origin: germline.
Comment: The p.K789M variant (also known as c.2366A>T), located in coding exon 20 of the LZTR1 gene, results from an A to T substitution at nucleotide position 2366. The lysine at codon 789 is replaced by methionine, an amino acid with similar properties. This amino acid position is conserved. In addition, this alteration is predicted to be deleterious by in silico analysis. Since supporting evidence is limited at this time, the clinical significance of this alteration remains unclear.

Labcorp Genetics (formerly Invitae), Labcorp
Classification: Uncertain significance. Last evaluated: 2022-08-28. Review status: criteria provided, single submitter. Criteria: Invitae Variant Classification Sherloc (09022015). Collection method: clinical testing. Allele origin: germline.
Comment: In summary, the available evidence is currently insufficient to determine the role of this variant in disease. Therefore, it has been classified as a Variant of Uncertain Significance. Algorithms developed to predict the effect of missense changes on protein structure and function (SIFT, PolyPhen-2, Align-GVGD) all suggest that this variant is likely to be disruptive. This variant has not been reported in the literature in individuals affected with LZTR1-related conditions. This variant is not present in population databases (gnomAD no frequency). This sequence change replaces lysine, which is basic and polar, with methionine, which is neutral and non-polar, at codon 789 of the LZTR1 protein (p.Lys789Met).